The following is an entry in ClinVar:

NM_003742.4(ABCB11):c.2490G>A (p.Arg830=)

Gene: ABCB11 (ATP binding cassette subfamily B member 11; minus strand). Cytogenetic location: 2q31.1.
Variant type: single nucleotide variant.
Coding change: c.2490G>A on transcript NM_003742.4 (MANE Select); coding-DNA position 2490, G replaced by A.
Protein change: p.Arg830=; no amino-acid change (arginine 830 retained).
Molecular consequence: synonymous variant.
Genome position (GRCh38, 1-based): chr2:168,944,725, C>T on the plus strand (G>A on the coding strand, the complement: ABCB11 is on the minus strand). VCF-style: chr2-168944725-C-T. GRCh37 (hg19) VCF-style: chr2-169801235-C-T.
Other names: c.2490G>A (NM_003742.2); c.2490G>A, p.Arg830= (LRG_1199t1).
Identifiers: ClinVar variation 594303 (VCV000594303.14), dbSNP rs775663263, ClinGen allele CA1951263.

ClinVar aggregate classification (germline): Conflicting classifications of pathogenicity. Review status: criteria provided, conflicting classifications (1 of 4 stars). 3 submissions from 3 submitters: Uncertain significance (1); Likely benign (1). 1 of the submissions does not count toward it. Last evaluated 2024-02-01.

Conditions:
ABCB11-related disorder. Also called: ABCB11-related condition.

Allele frequency attached by ClinVar (database versions not stated): gnomAD 0.00001; ExAC 0.00002; gnomAD exomes 0.00002 and 0.00003; TOPMed 0.00002.
gnomAD v4.1: 10 of 1,612,664 alleles (0.00062%); highest among the groups gnomAD compares: Admixed American, 0.012%; no homozygotes.

Submissions (3):

Labcorp Genetics (formerly Invitae), Labcorp
Classification: Likely benign. Last evaluated: 2024-02-01. Review status: criteria provided, single submitter. Criteria: Invitae Variant Classification Sherloc (09022015). Collection method: clinical testing. Allele origin: germline.

Eurofins Ntd Llc (ga)
Classification: Uncertain significance. Last evaluated: 2017-10-02. Review status: criteria provided, single submitter. Criteria: EGL Classification Definitions 2015. Collection method: clinical testing. Allele origin: germline. Observed: 1 variant allele, 1 heterozygote.

PreventionGenetics, part of Exact Sciences
Classification: Likely benign for ABCB11-related condition. Last evaluated: 2022-11-07. Review status: no assertion criteria provided. Collection method: clinical testing. Allele origin: germline. Not counted in ClinVar's aggregate classification.
Comment: This variant is classified as likely benign based on ACMG/AMP sequence variant interpretation guidelines (Richards et al. 2015 PMID: 25741868, with internal and published modifications).